The following is an entry in ClinVar:

NM_001287491.2(TET3):c.2389G>T (p.Gly797Cys)

Gene: TET3 (tet methylcytosine dioxygenase 3; plus strand). Cytogenetic location: 2p13.1.
Variant type: single nucleotide variant.
Coding change: c.2389G>T on transcript NM_001287491.2 (MANE Select); coding-DNA position 2389, G replaced by T.
Protein change: p.Gly797Cys; replaces glycine 797 with cysteine.
Molecular consequence: missense variant.
Genome position (GRCh38, 1-based): chr2:74,048,306, G>T. VCF-style: chr2-74048306-G-T. GRCh37 (hg19) VCF-style: chr2-74275433-G-T.
Other names: c.2110G>T, p.Gly704Cys (NM_001366022.1); short protein forms G704C, G797C.
Identifiers: ClinVar variation 3899404 (VCV003899404.1).
Genomic context (GRCh38, chr2:74,048,306, plus strand): 5'-GAGGGAGGACAGGAGGCCACACCCACCAAGGCTGAGAACCCACTCACACCCACCCTCAGT[G>T]GCTTCTTGGAGTCACCTCTTAAGTACCTGGACACACCCACCAAGAGTCTGCTGGACACAC-3'
Protein context (NP_001274420.1, residues 787-807): AENPLTPTLS[Gly797Cys]FLESPLKYLD

ClinVar aggregate classification (germline): Uncertain significance (1 of 4 stars; one submission).

Submission:

GeneDx
Classification: Uncertain significance. Last evaluated: 2024-11-19. Review status: criteria provided, single submitter. Criteria: GeneDx Variant Classification Process June 2021. Collection method: clinical testing. Allele origin: germline. Affected: yes.
Comment: Not observed at significant frequency in large population cohorts (gnomAD); In silico analysis supports that this missense variant has a deleterious effect on protein structure/function; Has not been previously published as pathogenic or benign to our knowledge